The following is an entry in ClinVar:

GRCh37/hg19 17q12(chr17:34822465-36244332)x3

Genes: AATF (apoptosis antagonizing transcription factor; plus strand), ACACA (acetyl-CoA carboxylase alpha; minus strand), C17orf78 (chromosome 17 open reading frame 78; plus strand), DDX52 (DExD-box helicase 52; minus strand), DHRS11 (dehydrogenase/reductase 11; plus strand) and 10 more. Cytogenetic location: 17q12.
Variant type: copy number gain.
Change: copy number 3 (three copies instead of two) of chr17:34,822,465-36,244,332 (1.42 Mb, GRCh37 coordinates, 1-based), cytogenetic band 17q12.
Identifiers: ClinVar variation 564435 (VCV000564435.5).

ClinVar aggregate classification (germline): Pathogenic (1 of 4 stars; one submission).

Submission:

Quest Diagnostics Nichols Institute San Juan Capistrano
Classification: Pathogenic. Last evaluated: 2025-01-27. Review status: criteria provided, single submitter. Criteria: ACMG/ClinGen CNV Guidelines, 2019. Collection method: clinical testing. Allele origin: unknown.
Comment: This duplication involves the 17q12 recurrent (RCAD syndrome) region (ISCA-37432), which is associated with 17q12 duplication syndrome (OMIM 614526; Mefford 2007, Nagamani 2010, Rasmussen 2016). Approximately 90% of 17q12 duplications are reportedly inherited from unaffected or mildly affected parents, suggesting reduced penetrance and variable expressivity (Mefford 2022). Furthermore, a similar duplication was reported in an affected individual (Weingartner 2023). There are no similar copy number gains of this region in the general populations of the Database of Genomic Variants. Thus, based on gene content and current medical literature, this copy number variant (CNV) is classified as pathogenic. References: Mefford et al., Am J Hum Genet. 2007 Nov;81(5):1057-69. PMID: 17924346 Mefford et al., GeneReviews. 2022 Jan. PMID: 26925472 Nagamani et al., Eur J Hum Genet. 2010 Mar;18(3):278-84. PMID: 19844256 Rasmussen et al., Am J Med Genet A. 2016 Nov;170(11):2934-2942. PMID: 27409573 Weingartner et al., Rev Paul Pediatr. 2023 Jan 20:41:e2021387. PMID: 36700567